The following is an entry in ClinVar:

NM_052859.4(RFT1):c.74G>T (p.Arg25Leu)

Gene: RFT1 (RFT1 glycolipid translocator homolog; minus strand). Cytogenetic location: 3p21.1.
Variant type: single nucleotide variant.
Coding change: c.74G>T on transcript NM_052859.4 (MANE Select); coding-DNA position 74, G replaced by T.
Protein change: p.Arg25Leu; replaces arginine 25 with leucine.
Molecular consequence: missense variant.
Genome position (GRCh38, 1-based): chr3:53,125,984, C>A on the plus strand (G>T on the coding strand, the complement: RFT1 is on the minus strand). VCF-style: chr3-53125984-C-A. GRCh37 (hg19) VCF-style: chr3-53160000-C-A.
Other names: c.74G>T (NM_052859.3); short protein forms R25L.
Identifiers: ClinVar variation 1473400 (VCV001473400.7), dbSNP rs780107020, ClinGen allele CA2451558.

ClinVar aggregate classification (germline): Uncertain significance. Review status: criteria provided, multiple submitters, no conflicts (2 of 4 stars). 2 submissions from 2 submitters: Uncertain significance (2). Last evaluated 2025-04-25.

Conditions:
Inborn genetic diseases. Identifiers: MedGen C0950123, MeSH D030342.
RFT1-congenital disorder of glycosylation (CDG1N). Also called: RFT1-CDG; Congenital disorder of glycosylation type In; CDG In. Identifiers: Orphanet 244310, MedGen C2677590, MONDO:0012783, OMIM 612015.

gnomAD v4.1: 3 of 1,612,522 alleles (0.00019%); highest among the groups gnomAD compares: East Asian, 0.0022%; no homozygotes.

Submissions (2):

Ambry Genetics
Classification: Uncertain significance for Inborn genetic diseases. Last evaluated: 2025-04-25. Review status: criteria provided, single submitter. Criteria: Ambry Variant Classification Scheme 2023. Collection method: clinical testing. Allele origin: germline.

Labcorp Genetics (formerly Invitae), Labcorp
Classification: Uncertain significance for RFT1-congenital disorder of glycosylation. Last evaluated: 2021-05-08. Review status: criteria provided, single submitter. Criteria: Invitae Variant Classification Sherloc (09022015). Collection method: clinical testing. Allele origin: germline.
Comment: In summary, the available evidence is currently insufficient to determine the role of this variant in disease. Therefore, it has been classified as a Variant of Uncertain Significance. Algorithms developed to predict the effect of missense changes on protein structure and function (SIFT, PolyPhen-2, Align-GVGD) all suggest that this variant is likely to be disruptive, but these predictions have not been confirmed by published functional studies and their clinical significance is uncertain. This variant has not been reported in the literature in individuals with RFT1-related conditions. This variant is present in population databases (rs780107020, ExAC 0.05%). This sequence change replaces arginine with leucine at codon 25 of the RFT1 protein (p.Arg25Leu). The arginine residue is highly conserved and there is a moderate physicochemical difference between arginine and leucine.